The following is an entry in ClinVar:

NM_213606.4(SLC16A12):c.534C>T (p.Ile178=)

Gene: SLC16A12 (solute carrier family 16 member 12; minus strand). Cytogenetic location: 10q23.31.
Variant type: single nucleotide variant.
Coding change: c.534C>T on transcript NM_213606.4 (MANE Select); coding-DNA position 534, C replaced by T.
Protein change: p.Ile178=; no amino-acid change (isoleucine 178 retained).
Molecular consequence: synonymous variant.
Genome position (GRCh38, 1-based): chr10:89,439,098, G>A on the plus strand (C>T on the coding strand, the complement: SLC16A12 is on the minus strand). VCF-style: chr10-89439098-G-A. GRCh37 (hg19) VCF-style: chr10-91198855-G-A.
Identifiers: ClinVar variation 3040917 (VCV003040917.3), dbSNP rs192441993, ClinGen allele CA5595482.

ClinVar aggregate classification (germline): Likely benign. Review status: criteria provided, single submitter (1 of 4 stars). 2 submissions from 2 submitters: Likely benign (1). 1 of the submissions does not count toward it. Last evaluated 2024-08-21.

Conditions:
SLC16A12-related disorder. Also called: SLC16A12-related condition.

Allele frequency attached by ClinVar (database versions not stated): TOPMed 0.00003; gnomAD 0.00004; gnomAD exomes 0.00004; ExAC 0.00007; 1000 Genomes Project 30x 0.00031; 1000 Genomes Project 0.00040.
gnomAD v4.1: 62 of 1,613,658 alleles (0.0038%); highest among the groups gnomAD compares: East Asian, 0.065%; no homozygotes.

Submissions (2):

Ambry Genetics
Classification: Likely benign. Last evaluated: 2024-08-21. Review status: criteria provided, single submitter. Criteria: Ambry Variant Classification Scheme 2023. Collection method: clinical testing. Allele origin: germline.

PreventionGenetics, part of Exact Sciences
Classification: Likely benign for SLC16A12-related condition. Last evaluated: 2019-10-02. Review status: no assertion criteria provided. Collection method: clinical testing. Allele origin: germline. Not counted in ClinVar's aggregate classification.
Comment: This variant is classified as likely benign based on ACMG/AMP sequence variant interpretation guidelines (Richards et al. 2015 PMID: 25741868, with internal and published modifications).